The following is an entry in ClinVar:

ClinVar aggregate classification (germline): Uncertain significance. Review status: criteria provided, multiple submitters, no conflicts (2 of 4 stars). 4 submissions from 4 submitters: Uncertain significance (3). 1 of the submissions does not count toward it. Last evaluated 2025-07-24.

Conditions:
Autosomal recessive limb-girdle muscular dystrophy type 2A (LGMDR1). Also called: Limb-girdle muscular dystrophy, type 2A; Calpainopathy; LEYDEN-MOEBIUS MUSCULAR DYSTROPHY; MUSCULAR DYSTROPHY, PELVOFEMORAL; Muscular dystrophy, limb-girdle, type 2A, Amish. Identifiers: Orphanet 267, MedGen C1869123, MONDO:0009675, OMIM 253600. Disease mechanism: loss of function.

Allele frequency attached by ClinVar (database versions not stated): ExAC 0.00005; gnomAD 0.00006 and 0.00007; gnomAD exomes 0.00006; TOPMed 0.00006; 1000 Genomes Project 30x 0.00031; 1000 Genomes Project 0.00040.
gnomAD v4.1: 98 of 1,614,208 alleles (0.0061%); highest among the groups gnomAD compares: Non-Finnish European, 0.0073%; no homozygotes.

Submissions (4):

Myriad Genetics, Inc.
Classification: Uncertain significance for Autosomal recessive limb-girdle muscular dystrophy type 2A. Last evaluated: 2025-07-24. Review status: criteria provided, single submitter. Criteria: Myriad Autosomal Dominant, Autosomal Recessive and X-Linked Classification Criteria (2023). Collection method: clinical testing. Allele origin: unknown.
Comment: NM_000070.2(CAPN3):c.157A>G(I53V) is a missense variant classified as a variant of uncertain significance in the context of calpainopathy. I53V has been observed in a case with relevant disease (PMID: 39678382). Relevant functional assessments of this variant are not available in the literature. I53V has been observed in referenced population frequency databases. In summary, there is insufficient evidence to classify NM_000070.2(CAPN3):c.157A>G(I53V) as pathogenic or benign. Please note: this variant was assessed in the context of healthy population screening.

Labcorp Genetics (formerly Invitae), Labcorp
Classification: Uncertain significance for Autosomal recessive limb-girdle muscular dystrophy type 2A. Last evaluated: 2022-07-05. Review status: criteria provided, single submitter. Criteria: Invitae Variant Classification Sherloc (09022015). Collection method: clinical testing. Allele origin: germline.
Comment: This sequence change replaces isoleucine, which is neutral and non-polar, with valine, which is neutral and non-polar, at codon 53 of the CAPN3 protein (p.Ile53Val). This variant is present in population databases (rs144138775, gnomAD 0.009%). This variant has not been reported in the literature in individuals affected with CAPN3-related conditions. ClinVar contains an entry for this variant (Variation ID: 284155). Algorithms developed to predict the effect of missense changes on protein structure and function output the following: SIFT: "Deleterious"; PolyPhen-2: "Benign"; Align-GVGD: "Class C0". The valine amino acid residue is found in multiple mammalian species, which suggests that this missense change does not adversely affect protein function. In summary, the available evidence is currently insufficient to determine the role of this variant in disease. Therefore, it has been classified as a Variant of Uncertain Significance.

Eurofins Ntd Llc (ga)
Classification: Uncertain significance. Last evaluated: 2017-02-08. Review status: criteria provided, single submitter. Criteria: EGL Classification Definitions 2015. Collection method: clinical testing. Allele origin: germline. Observed: 2 variant alleles, 2 heterozygotes.

Natera, Inc.
Classification: Uncertain significance for Limb-girdle muscular dystrophy type 2A. Last evaluated: 2019-10-28. Review status: no assertion criteria provided. Collection method: clinical testing. Allele origin: germline. Not counted in ClinVar's aggregate classification.

Literature cited by the submitters: PubMed 39678382 (cited by Myriad Genetics, Inc.).

NM_000070.3(CAPN3):c.157A>G (p.Ile53Val)

Gene: CAPN3 (calpain 3; plus strand). Cytogenetic location: 15q15.1.
Variant type: single nucleotide variant.
Coding change: c.157A>G on transcript NM_000070.3 (MANE Select); coding-DNA position 157, A replaced by G.
Protein change: p.Ile53Val; replaces isoleucine 53 with valine.
Molecular consequence: missense variant.
Genome position (GRCh38, 1-based): chr15:42,359,962, A>G. VCF-style: chr15-42359962-A-G. GRCh37 (hg19) VCF-style: chr15-42652160-A-G.
Other names: c.157A>G, p.Ile53Val (NM_024344.2, NM_173087.2); short protein forms I53V.
Identifiers: ClinVar variation 284155 (VCV000284155.11), dbSNP rs144138775, ClinGen allele CA7510863.